The following is an entry in ClinVar:

ClinVar aggregate classification (germline): Likely benign. Review status: criteria provided, multiple submitters, no conflicts (2 of 4 stars). 5 submissions from 5 submitters: Likely benign (5). Last evaluated 2025-10-06.

Conditions:
Familial isolated arrhythmogenic right ventricular dysplasia. Identifiers: Orphanet 217656, MedGen C4274968, MONDO:0016342.
Cardiovascular phenotype. Identifiers: MedGen CN230736.
Arrhythmogenic right ventricular dysplasia 11. Also called: Arrhythmogenic right ventricular dysplasia 11 with mild palmoplantar keratoderma and woolly hair; Arrhythmogenic Right Ventricular Dysplasia/Cardiomyopathy11; ARRHYTHMOGENIC RIGHT VENTRICULAR DYSPLASIA, FAMILIAL, 11. Identifiers: MedGen C1864850, MONDO:0012506, OMIM 610476.
Cardiomyopathy (CMYO). Also called: Cardiomyopathies. Identifiers: Orphanet 167848, MedGen C0878544, MONDO:0004994, HP:0001638. Inheritance: Various modes of inheritance.

Allele frequency attached by ClinVar (database versions not stated): gnomAD exomes 0.00001 and 0.00004; TOPMed 0.00003; gnomAD 0.00004 and 0.00005.

Submissions (5):

Labcorp Genetics (formerly Invitae), Labcorp
Classification: Likely benign for Arrhythmogenic right ventricular dysplasia 11. Last evaluated: 2025-10-06. Review status: criteria provided, single submitter. Criteria: Invitae Variant Classification Sherloc (09022015). Collection method: clinical testing. Allele origin: germline.

Ambry Genetics
Classification: Likely benign for Cardiovascular phenotype. Last evaluated: 2024-06-09. Review status: criteria provided, single submitter. Criteria: Ambry Variant Classification Scheme 2023. Collection method: clinical testing. Allele origin: germline.

All of Us Research Program, National Institutes of Health
Classification: Likely benign for Familial isolated arrhythmogenic right ventricular dysplasia. Last evaluated: 2023-12-01. Review status: criteria provided, single submitter. Criteria: ACMG Guidelines, 2015. Collection method: clinical testing. Allele origin: germline. Inheritance: Autosomal dominant inheritance. Observed: 12 variant alleles, 12 heterozygotes.
Comment: This study involves interpretation of variants in research participants for the purpose of population health screening. Participant phenotype was not available at the time of variant classification. Additional details can be found in publication PMID: 35346344, PMCID: PMC8962531

Blueprint Genetics
Classification: Likely benign. Last evaluated: 2021-09-17. Review status: criteria provided, single submitter. Criteria: ACMG Guidelines, 2015. Collection method: clinical testing. Allele origin: germline.

Color Diagnostics, LLC DBA Color Health
Classification: Likely benign for Cardiomyopathy. Last evaluated: 2018-12-10. Review status: criteria provided, single submitter. Criteria: ACMG Guidelines, 2015. Collection method: clinical testing. Allele origin: germline.

NM_024422.6(DSC2):c.1176T>C (p.Asn392=)

Gene: DSC2 (desmocollin 2; minus strand). Cytogenetic location: 18q12.1.
Variant type: single nucleotide variant.
Coding change: c.1176T>C on transcript NM_024422.6 (MANE Select); coding-DNA position 1176, T replaced by C.
Protein change: p.Asn392=; no amino-acid change (asparagine 392 retained).
Molecular consequence: synonymous variant.
Genome position (GRCh38, 1-based): chr18:31,082,325, A>G on the plus strand (T>C on the coding strand, the complement: DSC2 is on the minus strand). VCF-style: chr18-31082325-A-G. GRCh37 (hg19) VCF-style: chr18-28662291-A-G.
Other names: c.1176T>C, p.Asn392= (NM_004949.5).
Identifiers: ClinVar variation 702245 (VCV000702245.15), dbSNP rs769365346, ClinGen allele CA297637662.